The following is an entry in ClinVar:

ClinVar aggregate classification (germline): Conflicting classifications of pathogenicity. Review status: criteria provided, conflicting classifications (1 of 4 stars). 2 submissions from 2 submitters: Uncertain significance (1); Benign (1). Last evaluated 2026-05-05.

Conditions:
Hereditary cancer-predisposing syndrome. Also called: Hereditary neoplastic syndrome; Neoplastic Syndromes, Hereditary; Tumor predisposition; Hereditary Cancer Syndrome. Identifiers: Orphanet 140162, MedGen C0027672, MeSH D009386, MONDO:0015356.
Retinoblastoma (RB1). Also called: RETINOBLASTOMA, SOMATIC. Identifiers: Orphanet 790, MedGen C0035335, MeSH D012175, MONDO:0008380, OMIM 180200, HP:0009919. Disease mechanism: loss of function. Inheritance: Both sporadic and heritable forms are tested..

Submissions (2):

Ambry Genetics
Classification: Benign for Hereditary cancer-predisposing syndrome. Last evaluated: 2026-05-05. Review status: criteria provided, single submitter. Criteria: Ambry Variant Classification Scheme 2023. Collection method: clinical testing. Allele origin: germline.

Labcorp Genetics (formerly Invitae), Labcorp
Classification: Uncertain significance for Retinoblastoma. Last evaluated: 2025-06-19. Review status: criteria provided, single submitter. Criteria: Invitae Variant Classification Sherloc (09022015). Collection method: clinical testing. Allele origin: germline.
Comment: This sequence change replaces isoleucine, which is neutral and non-polar, with valine, which is neutral and non-polar, at codon 181 of the RB1 protein (p.Ile181Val). This variant is not present in population databases (gnomAD no frequency). This variant has not been reported in the literature in individuals affected with RB1-related conditions. ClinVar contains an entry for this variant (Variation ID: 1046453). An algorithm developed to predict the effect of missense changes on protein structure and function outputs the following: PolyPhen-2: "Benign". The valine amino acid residue is found in multiple mammalian species, which suggests that this missense change does not adversely affect protein function. In summary, the available evidence is currently insufficient to determine the role of this variant in disease. Therefore, it has been classified as a Variant of Uncertain Significance.

NM_000321.3(RB1):c.541A>G (p.Ile181Val)

Gene: RB1 (RB transcriptional corepressor 1; plus strand). Cytogenetic location: 13q14.2.
Variant type: single nucleotide variant.
Coding change: c.541A>G on transcript NM_000321.3 (MANE Select); coding-DNA position 541, A replaced by G.
Protein change: p.Ile181Val; replaces isoleucine 181 with valine.
Molecular consequence: missense variant.
Genome position (GRCh38, 1-based): chr13:48,348,957, A>G. VCF-style: chr13-48348957-A-G. GRCh37 (hg19) VCF-style: chr13-48923093-A-G.
Other names: short protein forms I181V.
Identifiers: ClinVar variation 1046453 (VCV001046453.12), dbSNP rs781708508, ClinGen allele CA388156878.
Genomic context (GRCh38, chr13:48,348,957, plus strand): 5'-AACTTTCTTTCAGTGATACATTTTTCCTGTTTTTTTTCTGCTTTCTATTTGTTTAATAGG[A>G]TATCTACTGAAATAAATTCTGCATTGGTGCTAAAAGTTTCTTGGATCACATTTTTATTAG-3'
Protein context (NP_000312.2, residues 171-191): LIYLTQPSSS[Ile181Val]STEINSALVL